The following is an entry in ClinVar:

NM_030773.4(TUBB1):c.662C>T (p.Thr221Ile)

Gene: TUBB1 (tubulin beta 1 class VI; plus strand). Cytogenetic location: 20q13.32.
Variant type: single nucleotide variant.
Coding change: c.662C>T on transcript NM_030773.4 (MANE Select); coding-DNA position 662, C replaced by T.
Protein change: p.Thr221Ile; replaces threonine 221 with isoleucine.
Molecular consequence: missense variant.
Genome position (GRCh38, 1-based): chr20:59,024,089, C>T. VCF-style: chr20-59024089-C-T. GRCh37 (hg19) VCF-style: chr20-57599144-C-T.
Other names: short protein forms T221I.
Identifiers: ClinVar variation 2776247 (VCV002776247.3), dbSNP rs759648996, ClinGen allele CA9928560.
Genomic context (GRCh38, chr20:59,024,089, plus strand): 5'-GCATTGACAATGAGGCCCTCTATGACATCTGCTTCCGTACCCTGAAGCTGACGACACCCA[C>T]CTATGGGGATCTCAACCACCTAGTGTCCTTGACCATGAGCGGCATAACCACCTCCCTCCG-3'
Protein context (NP_110400.1, residues 211-231): CFRTLKLTTP[Thr221Ile]YGDLNHLVSL

ClinVar aggregate classification (germline): Uncertain significance (1 of 4 stars; one submission).

Allele frequency attached by ClinVar (database versions not stated): gnomAD 0.00001; gnomAD exomes 0.00001; TOPMed 0.00001; ExAC 0.00002.
gnomAD v4.1: 11 of 1,614,102 alleles (0.00068%); highest among the groups gnomAD compares: South Asian, 0.0011%; no homozygotes.

Submission:

Labcorp Genetics (formerly Invitae), Labcorp
Classification: Uncertain significance. Last evaluated: 2024-01-29. Review status: criteria provided, single submitter. Criteria: Invitae Variant Classification Sherloc (09022015). Collection method: clinical testing. Allele origin: germline.
Comment: This sequence change replaces threonine, which is neutral and polar, with isoleucine, which is neutral and non-polar, at codon 221 of the TUBB1 protein (p.Thr221Ile). This variant is present in population databases (rs759648996, gnomAD 0.003%). This variant has not been reported in the literature in individuals affected with TUBB1-related conditions. Advanced modeling of protein sequence and biophysical properties (such as structural, functional, and spatial information, amino acid conservation, physicochemical variation, residue mobility, and thermodynamic stability) performed at Invitae indicates that this missense variant is expected to disrupt TUBB1 protein function with a positive predictive value of 80%. In summary, the available evidence is currently insufficient to determine the role of this variant in disease. Therefore, it has been classified as a Variant of Uncertain Significance.